The following is an entry in ClinVar:

NM_000179.3(MSH6):c.253C>T (p.Pro85Ser)

Genes: MSH6 (mutS homolog 6; plus strand), LOC129933707 (ATAC-STARR-seq lymphoblastoid silent region 11468; plus strand). Cytogenetic location: 2p16.3.
Variant type: single nucleotide variant.
Coding change: c.253C>T on transcript NM_000179.3 (MANE Select); coding-DNA position 253, C replaced by T.
Protein change: p.Pro85Ser; replaces proline 85 with serine.
Molecular consequence: missense variant. On other transcripts: 5 prime UTR variant (1), intron variant (1).
Genome position (GRCh38, 1-based): chr2:47,783,486, C>T. VCF-style: chr2-47783486-C-T. GRCh37 (hg19) VCF-style: chr2-48010625-C-T.
Other names: c.-484C>T (NM_001281493.2); c.237+16C>T (NM_001281492.2); short protein forms P85S.
Identifiers: ClinVar variation 219868 (VCV000219868.25), dbSNP rs779664343, ClinGen allele CA069156.

ClinVar aggregate classification (germline): Uncertain significance. Review status: criteria provided, multiple submitters, no conflicts (2 of 4 stars). 6 submissions from 6 submitters: Uncertain significance (6). Last evaluated 2025-08-14.

Conditions:
Hereditary nonpolyposis colorectal neoplasms. Identifiers: MedGen C0009405, MeSH D003123.
Hereditary cancer-predisposing syndrome. Also called: Hereditary neoplastic syndrome; Tumor predisposition; Hereditary Cancer Syndrome; Neoplastic Syndromes, Hereditary. Identifiers: Orphanet 140162, MedGen C0027672, MeSH D009386, MONDO:0015356.
Lynch syndrome 5 (LYNCH5). Also called: Colorectal cancer, hereditary nonpolyposis, type 5; Hereditary non-polyposis colorectal cancer, type 5. Identifiers: Orphanet 144, MedGen C1833477, MONDO:0013710, OMIM 614350. Disease mechanism: loss of function.

Allele frequency attached by ClinVar (database versions not stated): gnomAD exomes below 0.00001; ExAC 0.00036.
gnomAD v4.1: 2 of 1,430,472 alleles (0.00014%); highest among the groups gnomAD compares: Admixed American, 0.003%; no homozygotes.

Submissions (6):

Ambry Genetics
Classification: Uncertain significance for Hereditary cancer-predisposing syndrome. Last evaluated: 2025-08-14. Review status: criteria provided, single submitter. Criteria: Ambry Variant Classification Scheme 2023. Collection method: clinical testing. Allele origin: germline.

Color Diagnostics, LLC DBA Color Health
Classification: Uncertain significance for Hereditary cancer-predisposing syndrome. Last evaluated: 2025-07-04. Review status: criteria provided, single submitter. Criteria: ACMG Guidelines, 2015. Collection method: clinical testing. Allele origin: germline.
Comment: This missense variant replaces proline with serine at codon 85 of the MSH6 protein. Computational prediction suggests that this variant may not impact protein structure and function. To our knowledge, functional studies have not been reported for this variant. This variant has been reported in individuals affected with endometrial cancer (PMID: 32694065), and colorectal cancer (DOI: 10.1101/2021.04.15.21255554). This variant has not been identified in the general population by the Genome Aggregation Database (gnomAD). The available evidence is insufficient to determine the role of this variant in disease conclusively. Therefore, this variant is classified as a Variant of Uncertain Significance.

Labcorp Genetics (formerly Invitae), Labcorp
Classification: Uncertain significance for Hereditary nonpolyposis colorectal neoplasms. Last evaluated: 2023-05-11. Review status: criteria provided, single submitter. Criteria: Invitae Variant Classification Sherloc (09022015). Collection method: clinical testing. Allele origin: germline.
Comment: This sequence change replaces proline, which is neutral and non-polar, with serine, which is neutral and polar, at codon 85 of the MSH6 protein (p.Pro85Ser). This variant is not present in population databases (gnomAD no frequency). This variant has not been reported in the literature in individuals affected with MSH6-related conditions. ClinVar contains an entry for this variant (Variation ID: 219868). Advanced modeling of protein sequence and biophysical properties (such as structural, functional, and spatial information, amino acid conservation, physicochemical variation, residue mobility, and thermodynamic stability) performed at Invitae indicates that this missense variant is not expected to disrupt MSH6 protein function. In summary, the available evidence is currently insufficient to determine the role of this variant in disease. Therefore, it has been classified as a Variant of Uncertain Significance.

GeneDx
Classification: Uncertain significance. Last evaluated: 2021-10-07. Review status: criteria provided, single submitter. Criteria: GeneDx Variant Classification Process June 2021. Collection method: clinical testing. Allele origin: germline. Affected: yes.
Comment: Observed in an individual with endometrial cancer found to be MSH6 deficient via immunohistochemistry (Rosa et al., 2020); In silico analysis supports that this missense variant does not alter protein structure/function; This variant is associated with the following publications: (PMID: 32694065)

Laboratorio de Genetica e Diagnostico Molecular, Hospital Israelita Albert Einstein
Classification: Uncertain significance for Lynch syndrome 5. Last evaluated: 2021-08-11. Review status: criteria provided, single submitter. Criteria: ACMG Guidelines, 2015. Collection method: clinical testing. Allele origin: germline. Affected: yes.
Comment: ACMG classification criteria: BP4 supporting, BP4

Mendelics
Classification: Uncertain significance for Lynch syndrome 5. Last evaluated: 2019-05-28. Review status: criteria provided, single submitter. Criteria: Mendelics Assertion Criteria 2017. Collection method: clinical testing. Allele origin: unknown.

Literature cited by the submitters: PubMed 32694065 (cited by Color Diagnostics, LLC DBA Color Health).